The following is an entry in ClinVar:

NM_004656.4(BAP1):c.1722_1724delinsACG (p.Leu575Arg)

Gene: BAP1 (BRCA1 associated deubiquitinase 1; minus strand). Cytogenetic location: 3p21.1.
Variant type: Indel.
Coding change: c.1722_1724delinsACG on transcript NM_004656.4 (MANE Select); coding-DNA positions 1722 to 1724, GCT replaced by ACG.
Protein change: p.Leu575Arg; replaces leucine 575 with arginine.
Molecular consequence: missense variant.
Genome position (GRCh38, 1-based): chr3:52,403,421-52,403,423, AGC replaced by CGT on the plus strand (GCT replaced by ACG on the coding strand, the reverse complement: BAP1 is on the minus strand). VCF-style: chr3-52403421-AGC-CGT. GRCh37 (hg19) VCF-style: chr3-52437437-AGC-CGT.
Other names: c.1722_1724delGCTinsACG (NM_004656.3); short protein forms L575R.
Identifiers: ClinVar variation 490809 (VCV000490809.7), dbSNP rs1553644790, ClinGen allele CA658683347.
Genomic context (GRCh38, chr3:52,403,421, plus strand): 5'-TTCCCTCCTCCCTCCTGGGTGCACCAAGTGGCCAGTGAGCCAGTCCAAGGCCCACCTGTC[AGC>CGT]GCCAGGGGACTCAGCACCCCATCCTCAGCCAGGTGCAGCAGGCCTGTGCTGATGACAGGA-3'
Protein context (NP_004647.1, residues 565-585): AEDGVLSPLA[Leu575Arg]TEGGKGSSPS

ClinVar aggregate classification (germline): Uncertain significance. Review status: criteria provided, multiple submitters, no conflicts (2 of 4 stars). 2 submissions from 2 submitters: Uncertain significance (2). Last evaluated 2023-12-05.

Conditions:
Hereditary cancer-predisposing syndrome. Also called: Hereditary Cancer Syndrome; Neoplastic Syndromes, Hereditary; Tumor predisposition; Hereditary neoplastic syndrome. Identifiers: Orphanet 140162, MedGen C0027672, MeSH D009386, MONDO:0015356.
BAP1-related tumor predisposition syndrome (TPDS1). Also called: Tumor susceptibility linked to germline BAP1 mutations; BAP1 tumor predisposition syndrome; COMMON Syndrome; TUMOR PREDISPOSITION SYNDROME 1. Identifiers: Orphanet 289539, MedGen C3280492, MONDO:0013692, OMIM 614327.

Submissions (2):

Color Diagnostics, LLC DBA Color Health
Classification: Uncertain significance for Hereditary cancer-predisposing syndrome. Last evaluated: 2023-12-05. Review status: criteria provided, single submitter. Criteria: ACMG Guidelines, 2015. Collection method: clinical testing. Allele origin: germline.
Comment: This missense variant replaces leucine with arginine at codon 575 of the BAP1 protein. To our knowledge, functional studies have not been reported for this variant. This variant has not been reported in individuals affected with BAP1-related disorders in the literature. This variant has not been identified in the general population by the Genome Aggregation Database (gnomAD). The available evidence is insufficient to determine the role of this variant in disease conclusively. Therefore, this variant is classified as a Variant of Uncertain Significance.

Institute of Human Genetics, University of Leipzig Medical Center
Classification: Uncertain significance for BAP1-related tumor predisposition syndrome. Last evaluated: 2020-01-07. Review status: criteria provided, single submitter. Criteria: ACMG Guidelines, 2015. Collection method: clinical testing. Allele origin: de novo. Affected: yes. Observed: 1 variant allele.